The following is an entry in ClinVar:

ClinVar aggregate classification (germline): Likely benign. Review status: criteria provided, multiple submitters, no conflicts (2 of 4 stars). 3 submissions from 3 submitters: Likely benign (3). Last evaluated 2025-07-02.

Conditions:
Hereditary spherocytosis type 1. Also called: Spherocytosis type 1; ANK1-Related Spherocytosis. Identifiers: Orphanet 822, MedGen C2674218, MONDO:0008447, OMIM 182900.

gnomAD v4.1: 183 of 1,613,922 alleles (0.011%); highest among the groups gnomAD compares: South Asian, 0.055%; no homozygotes.

Submissions (3):

Mayo Clinic Laboratories, Mayo Clinic
Classification: Likely benign. Last evaluated: 2025-07-02. Review status: criteria provided, single submitter. Criteria: ACMG Guidelines, 2015. Collection method: clinical testing. Allele origin: germline. Observed: 1 variant allele.
Comment: BP4, BP7

Labcorp Genetics (formerly Invitae), Labcorp
Classification: Likely benign. Last evaluated: 2025-05-18. Review status: criteria provided, single submitter. Criteria: Invitae Variant Classification Sherloc (09022015). Collection method: clinical testing. Allele origin: germline.

ARUP Laboratories, Molecular Genetics and Genomics, ARUP Laboratories
Classification: Likely benign for Hereditary spherocytosis type 1. Last evaluated: 2024-04-05. Review status: criteria provided, single submitter. Criteria: ARUP Molecular Germline Variant Investigation Process 2024. Collection method: clinical testing. Allele origin: germline.

NM_000037.4(ANK1):c.2559-5C>T

Gene: ANK1 (ankyrin 1; minus strand). Cytogenetic location: 8p11.21.
Variant type: single nucleotide variant.
Coding change: c.2559-5C>T on transcript NM_000037.4 (MANE Select); 5 bases into the intron before coding-DNA position 2559, C replaced by T.
Molecular consequence: intron variant.
Genome position (GRCh38, 1-based): chr8:41,698,126, G>A on the plus strand (C>T on the coding strand, the complement: ANK1 is on the minus strand). VCF-style: chr8-41698126-G-A. GRCh37 (hg19) VCF-style: chr8-41555644-G-A.
Other names: p.?; c.2682-5C>T (NM_001142446.2); c.2559-5C>T (NM_020477.3, NM_020475.3, NM_020476.3).
Identifiers: ClinVar variation 3766549 (VCV003766549.3).
Genomic context (GRCh38, chr8:41,698,126, plus strand): 5'-TCACCACTGTCTCAGGCATGGCACAGGGAATCCTGGGGATGGCTGGAGATTCCACCCTGC[G>A]TGCCAAGAACACCAGAACATCACAGGGCTGATCCACATGTGCACACAGCTCCTCTTCCTC-3'